The following is an entry in ClinVar:

ClinVar aggregate classification (germline): Uncertain significance (1 of 4 stars; one submission).

Conditions:
RASopathy. Also called: rasopathies; Noonan spectrum disorder. Identifiers: Orphanet 536391, MedGen C5555857, MONDO:0021060.

Submission:

Labcorp Genetics (formerly Invitae), Labcorp
Classification: Uncertain significance for RASopathy. Last evaluated: 2022-10-18. Review status: criteria provided, single submitter. Criteria: Invitae Variant Classification Sherloc (09022015). Collection method: clinical testing. Allele origin: germline.
Comment: In summary, the available evidence is currently insufficient to determine the role of this variant in disease. Therefore, it has been classified as a Variant of Uncertain Significance. Advanced modeling of protein sequence and biophysical properties (such as structural, functional, and spatial information, amino acid conservation, physicochemical variation, residue mobility, and thermodynamic stability) performed at Invitae indicates that this missense variant is not expected to disrupt CBL protein function. This variant has not been reported in the literature in individuals affected with CBL-related conditions. This variant is not present in population databases (gnomAD no frequency). This sequence change replaces arginine, which is basic and polar, with tryptophan, which is neutral and slightly polar, at codon 706 of the CBL protein (p.Arg706Trp).

NM_005188.4(CBL):c.2116A>T (p.Arg706Trp)

Gene: CBL (Cbl proto-oncogene; plus strand). Cytogenetic location: 11q23.3.
Variant type: single nucleotide variant.
Coding change: c.2116A>T on transcript NM_005188.4 (MANE Select); coding-DNA position 2116, A replaced by T.
Protein change: p.Arg706Trp; replaces arginine 706 with tryptophan.
Molecular consequence: missense variant.
Genome position (GRCh38, 1-based): chr11:119,296,997, A>T. VCF-style: chr11-119296997-A-T. GRCh37 (hg19) VCF-style: chr11-119167707-A-T.
Other names: short protein forms R706W.
Identifiers: ClinVar variation 1721042 (VCV001721042.5), dbSNP rs2496971132, ClinGen allele CA382927174.